The following is an entry in ClinVar:

ClinVar aggregate classification (germline): Uncertain significance. Review status: criteria provided, multiple submitters, no conflicts (2 of 4 stars). 2 submissions from 2 submitters: Uncertain significance (2). Last evaluated 2025-10-24.

Conditions:
Cardiovascular phenotype. Identifiers: MedGen CN230736.
Myofibrillar myopathy 4. Also called: Zaspopathy (type). Identifiers: Orphanet 98912, MedGen C4721886, MONDO:0012277, OMIM 609452.

Submissions (2):

Labcorp Genetics (formerly Invitae), Labcorp
Classification: Uncertain significance for Myofibrillar myopathy 4. Last evaluated: 2025-10-24. Review status: criteria provided, single submitter. Criteria: Invitae Variant Classification Sherloc (09022015). Collection method: clinical testing. Allele origin: germline.
Comment: This sequence change replaces serine, which is neutral and polar, with phenylalanine, which is neutral and non-polar, at codon 90 of the LDB3 protein (p.Ser90Phe). This variant is not present in population databases (gnomAD no frequency). This variant has not been reported in the literature in individuals affected with LDB3-related conditions. ClinVar contains an entry for this variant (Variation ID: 2563919). An algorithm developed to predict the effect of missense changes on protein structure and function (PolyPhen-2) suggests that this variant is likely to be disruptive. In summary, the available evidence is currently insufficient to determine the role of this variant in disease. Therefore, it has been classified as a Variant of Uncertain Significance.

Ambry Genetics
Classification: Uncertain significance for Cardiovascular phenotype. Last evaluated: 2023-04-03. Review status: criteria provided, single submitter. Criteria: Ambry Variant Classification Scheme 2023. Collection method: clinical testing. Allele origin: germline.
Comment: The p.S90F variant (also known as c.269C>T), located in coding exon 3 of the LDB3 gene, results from a C to T substitution at nucleotide position 269. The serine at codon 90 is replaced by phenylalanine, an amino acid with highly dissimilar properties. This amino acid position is conserved. In addition, the in silico prediction for this alteration is inconclusive. Since supporting evidence is limited at this time, the clinical significance of this alteration remains unclear.

NM_007078.3(LDB3):c.269C>T (p.Ser90Phe)

Gene: LDB3 (LIM domain binding 3; plus strand). Cytogenetic location: 10q23.2.
Variant type: single nucleotide variant.
Coding change: c.269C>T on transcript NM_007078.3 (MANE Select); coding-DNA position 269, C replaced by T.
Protein change: p.Ser90Phe; replaces serine 90 with phenylalanine.
Molecular consequence: missense variant.
Genome position (GRCh38, 1-based): chr10:86,680,105, C>T. VCF-style: chr10-86680105-C-T. GRCh37 (hg19) VCF-style: chr10-88439862-C-T.
Other names: c.269C>T, p.Ser90Phe (NM_001080114.2, NM_001080115.2, NM_001080116.1 and 8 more transcripts); short protein forms S90F.
Identifiers: ClinVar variation 2563919 (VCV002563919.5), dbSNP rs765975330, ClinGen allele CA377452188.